The following is an entry in ClinVar:

NM_000535.7(PMS2):c.2358G>C (p.Leu786=)

Gene: PMS2 (PMS1 homolog 2, mismatch repair system component; minus strand). Cytogenetic location: 7p22.1.
Variant type: single nucleotide variant.
Coding change: c.2358G>C on transcript NM_000535.7 (MANE Select); coding-DNA position 2358, G replaced by C.
Protein change: p.Leu786=; no amino-acid change (leucine 786 retained).
Molecular consequence: synonymous variant. On other transcripts: non-coding transcript variant (1).
Genome position (GRCh38, 1-based): chr7:5,977,675, C>G on the plus strand (G>C on the coding strand, the complement: PMS2 is on the minus strand). VCF-style: chr7-5977675-C-G. GRCh37 (hg19) VCF-style: chr7-6017306-C-G.
Other names: p.Leu786=; c.1953G>C, p.Leu651= (NM_001322003.2, NM_001322004.2, NM_001322005.2); c.2202G>C, p.Leu734= (NM_001322006.2); c.2040G>C, p.Leu680= (NM_001322007.2, NM_001322008.2); c.1986G>C, p.Leu662= (NM_001322009.2); c.1797G>C, p.Leu599= (NM_001322010.2); c.1425G>C, p.Leu475= (NM_001322011.2, NM_001322012.2); c.1785G>C, p.Leu595= (NM_001322013.2); and 2 more.
Identifiers: ClinVar variation 184746 (VCV000184746.27), dbSNP rs535056715, ClinGen allele CA011343.

ClinVar aggregate classification (germline): Benign/Likely benign. Review status: criteria provided, multiple submitters, no conflicts (2 of 4 stars). 11 submissions from 11 submitters: Benign (2); Likely benign (7). 2 of the submissions do not count toward it. Last evaluated 2026-01-19.

Conditions:
Hereditary nonpolyposis colorectal neoplasms. Identifiers: MedGen C0009405, MeSH D003123.
Hereditary cancer-predisposing syndrome. Also called: Tumor predisposition; Neoplastic Syndromes, Hereditary; Hereditary neoplastic syndrome; Hereditary Cancer Syndrome. Identifiers: Orphanet 140162, MedGen C0027672, MeSH D009386, MONDO:0015356.
Lynch syndrome 4 (LYNCH4). Also called: Colorectal cancer, hereditary nonpolyposis, type 4; Hereditary non-polyposis colorectal cancer, type 4. Identifiers: Orphanet 144, MedGen C1838333, MONDO:0013699, OMIM 614337. Disease mechanism: loss of function.

Allele frequency attached by ClinVar (database versions not stated): ExAC 0.00001; gnomAD exomes 0.00002; TOPMed 0.00003; gnomAD 0.00004.

Submissions (11):

Labcorp Genetics (formerly Invitae), Labcorp
Classification: Likely benign for Hereditary nonpolyposis colorectal neoplasms. Last evaluated: 2026-01-19. Review status: criteria provided, single submitter. Criteria: Invitae Variant Classification Sherloc (09022015). Collection method: clinical testing. Allele origin: germline.

Mayo Clinic Laboratories, Mayo Clinic
Classification: Likely benign. Last evaluated: 2025-05-06. Review status: criteria provided, single submitter. Criteria: ACMG Guidelines, 2015. Collection method: clinical testing. Allele origin: germline. Observed: 1 variant allele.
Comment: BP4, BP7

Myriad Genetics, Inc.
Classification: Benign for Lynch syndrome 4. Last evaluated: 2025-02-04. Review status: criteria provided, single submitter. Criteria: Myriad Autosomal Dominant, Autosomal Recessive and X-Linked Classification Criteria (2023). Collection method: clinical testing. Allele origin: unknown.
Comment: This variant is considered benign. This variant is a silent/synonymous amino acid change and it is not expected to impact splicing.

Blueprint Genetics
Classification: Likely benign. Last evaluated: 2024-05-17. Review status: criteria provided, single submitter. Criteria: ACMG Guidelines, 2015. Collection method: clinical testing. Allele origin: germline.

Color Diagnostics, LLC DBA Color Health
Classification: Likely benign for Hereditary cancer-predisposing syndrome. Last evaluated: 2022-07-05. Review status: criteria provided, single submitter. Criteria: ACMG Guidelines, 2015. Collection method: clinical testing. Allele origin: germline.

Women's Health and Genetics/Laboratory Corporation of America, LabCorp
Classification: Likely benign. Last evaluated: 2020-01-10. Review status: criteria provided, single submitter. Criteria: LabCorp Variant Classification Summary - May 2015. Collection method: clinical testing. Allele origin: germline.

PreventionGenetics, part of Exact Sciences
Classification: Likely benign. Last evaluated: 2018-01-02. Review status: criteria provided, single submitter. Criteria: ACMG Guidelines, 2015. Collection method: clinical testing. Allele origin: germline.

GeneDx
Classification: Benign. Last evaluated: 2015-08-04. Review status: criteria provided, single submitter. Criteria: GeneDx Variant Classification Process June 2021. Collection method: clinical testing. Allele origin: germline. Affected: yes.

Ambry Genetics
Classification: Likely benign for Hereditary cancer-predisposing syndrome. Last evaluated: 2014-08-21. Review status: criteria provided, single submitter. Criteria: Ambry Variant Classification Scheme 2023. Collection method: clinical testing. Allele origin: germline.

Clinical Genetics, Academic Medical Center
Classification: Benign. Review status: no assertion criteria provided. Collection method: clinical testing. Allele origin: germline. Affected: yes. Study: VKGL Data-share Consensus. Not counted in ClinVar's aggregate classification.

Joint Genome Diagnostic Labs from Nijmegen and Maastricht, Radboudumc and MUMC+
Classification: Likely benign. Review status: no assertion criteria provided. Collection method: clinical testing. Allele origin: germline. Affected: yes. Study: VKGL Data-share Consensus. Not counted in ClinVar's aggregate classification.

Literature cited by the submitters: PubMed 19132747 (cited by Ambry Genetics).